The following is an entry in ClinVar:

NM_001690.4(ATP6V1A):c.247G>A (p.Gly83Ser)

Gene: ATP6V1A (ATPase H+ transporting V1 subunit A; plus strand). Cytogenetic location: 3q13.31.
Variant type: single nucleotide variant.
Coding change: c.247G>A on transcript NM_001690.4 (MANE Select); coding-DNA position 247, G replaced by A.
Protein change: p.Gly83Ser; replaces glycine 83 with serine.
Molecular consequence: missense variant.
Genome position (GRCh38, 1-based): chr3:113,784,259, G>A. VCF-style: chr3-113784259-G-A. GRCh37 (hg19) VCF-style: chr3-113503106-G-A.
Other names: short protein forms G83S.
Identifiers: ClinVar variation 1369357 (VCV001369357.9), dbSNP rs778615930, ClinGen allele CA2547798.

ClinVar aggregate classification (germline): Uncertain significance. Review status: criteria provided, multiple submitters, no conflicts (2 of 4 stars). 2 submissions from 2 submitters: Uncertain significance (2). Last evaluated 2025-10-14.

Allele frequency attached by ClinVar (database versions not stated): ExAC 0.00002; gnomAD 0.00002; gnomAD exomes 0.00002; TOPMed 0.00002.
gnomAD v4.1: 122 of 1,614,028 alleles (0.0076%); highest among the groups gnomAD compares: Non-Finnish European, 0.01%; no homozygotes.

Submissions (2):

Labcorp Genetics (formerly Invitae), Labcorp
Classification: Uncertain significance. Last evaluated: 2025-10-14. Review status: criteria provided, single submitter. Criteria: Invitae Variant Classification Sherloc (09022015). Collection method: clinical testing. Allele origin: germline.
Comment: This sequence change replaces glycine, which is neutral and non-polar, with serine, which is neutral and polar, at codon 83 of the ATP6V1A protein (p.Gly83Ser). This variant is present in population databases (rs778615930, gnomAD 0.005%). This variant has not been reported in the literature in individuals affected with ATP6V1A-related conditions. ClinVar contains an entry for this variant (Variation ID: 1369357). Invitae Evidence Modeling of protein sequence and biophysical properties (such as structural, functional, and spatial information, amino acid conservation, physicochemical variation, residue mobility, and thermodynamic stability) indicates that this missense variant is not expected to disrupt ATP6V1A protein function with a negative predictive value of 80%. In summary, the available evidence is currently insufficient to determine the role of this variant in disease. Therefore, it has been classified as a Variant of Uncertain Significance.

Revvity Omics, Revvity
Classification: Uncertain significance. Last evaluated: 2023-08-21. Review status: criteria provided, single submitter. Criteria: ACMG Guidelines, 2015. Collection method: clinical testing. Allele origin: germline.